The following is an entry in ClinVar:

NM_014895.4(CEP162):c.2231G>A (p.Arg744Gln)

Gene: CEP162 (centrosomal protein 162; minus strand). Cytogenetic location: 6q14.2.
Variant type: single nucleotide variant.
Coding change: c.2231G>A on transcript NM_014895.4 (MANE Select); coding-DNA position 2231, G replaced by A.
Protein change: p.Arg744Gln; replaces arginine 744 with glutamine.
Molecular consequence: missense variant.
Genome position (GRCh38, 1-based): chr6:84,171,654, C>T on the plus strand (G>A on the coding strand, the complement: CEP162 is on the minus strand). VCF-style: chr6-84171654-C-T. GRCh37 (hg19) VCF-style: chr6-84881373-C-T.
Other names: c.2003G>A, p.Arg668Gln (NM_001286206.2); short protein forms R668Q, R744Q.
Identifiers: ClinVar variation 2656729 (VCV002656729.24), dbSNP rs142624944, ClinGen allele CA3910152.

ClinVar aggregate classification (germline): Likely benign (1 of 4 stars; one submission).

Allele frequency attached by ClinVar (database versions not stated): 1000 Genomes Project 30x 0.00187; TOPMed 0.00189; 1000 Genomes Project 0.00200; ESP Exome Variant Server 0.00231; gnomAD 0.00347; ExAC 0.00656.
gnomAD v4.1: 5,056 of 1,552,696 alleles (0.33%); highest among the groups gnomAD compares: Middle Eastern, 0.73%; 27 homozygotes.

Submission:

CeGaT Center for Human Genetics Tuebingen
Classification: Likely benign. Last evaluated: 2023-04-01. Review status: criteria provided, single submitter. Criteria: CeGaT Center For Human Genetics Tuebingen Variant Classification Criteria Version 2. Collection method: clinical testing. Allele origin: germline. Affected: yes. Observed: 1 variant allele.
Comment: CEP162: BP4, BS2